The following is an entry in ClinVar:

NM_006379.5(SEMA3C):c.719T>C (p.Val240Ala)

Gene: SEMA3C (semaphorin 3C; minus strand). Cytogenetic location: 7q21.11.
Variant type: single nucleotide variant.
Coding change: c.719T>C on transcript NM_006379.5 (MANE Select); coding-DNA position 719, T replaced by C.
Protein change: p.Val240Ala; replaces valine 240 with alanine.
Molecular consequence: missense variant.
Genome position (GRCh38, 1-based): chr7:80,804,188, A>G on the plus strand (T>C on the coding strand, the complement: SEMA3C is on the minus strand). VCF-style: chr7-80804188-A-G. GRCh37 (hg19) VCF-style: chr7-80433504-A-G.
Other names: c.773T>C, p.Val258Ala (NM_001350120.2); c.545T>C, p.Val182Ala (NM_001350121.2); short protein forms V182A, V240A, V258A.
Identifiers: ClinVar variation 3355509 (VCV003355509.1).

ClinVar aggregate classification (germline): Uncertain significance (0 of 4 stars; one submission).

Conditions:
SEMA3C-related disorder. Also called: SEMA3C-related condition.

gnomAD v4.1: 1 of 1,612,838 alleles (0.000062%); highest among the groups gnomAD compares: Admixed American, 0.0017%; no homozygotes.

Submission:

PreventionGenetics, part of Exact Sciences
Classification: Uncertain significance for SEMA3C-related condition. Last evaluated: 2024-02-05. Review status: no assertion criteria provided. Collection method: clinical testing. Allele origin: germline.
Comment: The SEMA3C c.773T>C variant is predicted to result in the amino acid substitution p.Val258Ala. To our knowledge, this variant has not been reported in the literature or in a large population database, indicating this variant is rare. At this time, the clinical significance of this variant is uncertain due to the absence of conclusive functional and genetic evidence.